The following is an entry in ClinVar:

ClinVar aggregate classification (germline): Likely benign. Review status: criteria provided, multiple submitters, no conflicts (2 of 4 stars). 3 submissions from 3 submitters: Likely benign (3). Last evaluated 2026-09-01.

Conditions:
Primary ciliary dyskinesia. Also called: Ciliary dyskinesia. Identifiers: Orphanet 244, MedGen C0008780, MONDO:0016575, HP:0012265.

Allele frequency attached by ClinVar (database versions not stated): TOPMed below 0.00001; ExAC 0.00001; gnomAD exomes 0.00001.
gnomAD v4.1: 4 of 1,614,058 alleles (0.00025%); highest among the groups gnomAD compares: East Asian, 0.0089%; no homozygotes.

Submissions (3):

CeGaT Center for Human Genetics Tuebingen
Classification: Likely benign. Last evaluated: 2026-09-01. Review status: criteria provided, single submitter. Criteria: CeGaT Center For Human Genetics Tuebingen Variant Classification Criteria Version 2. Collection method: clinical testing. Allele origin: germline. Affected: yes. Observed: 1 variant allele.
Comment: DNAH5: BP4, BP7

Ambry Genetics
Classification: Likely benign for Primary ciliary dyskinesia. Last evaluated: 2024-11-10. Review status: criteria provided, single submitter. Criteria: Ambry Variant Classification Scheme 2023. Collection method: clinical testing. Allele origin: germline.

Labcorp Genetics (formerly Invitae), Labcorp
Classification: Likely benign for Primary ciliary dyskinesia. Last evaluated: 2023-11-21. Review status: criteria provided, single submitter. Criteria: Invitae Variant Classification Sherloc (09022015). Collection method: clinical testing. Allele origin: germline.

NM_001369.3(DNAH5):c.3906G>A (p.Leu1302=)

Genes: DNAH5 (dynein axonemal heavy chain 5; minus strand), DNAH5-AS1 (DNAH5 antisense RNA 1; plus strand). Cytogenetic location: 5p15.2.
Variant type: single nucleotide variant.
Coding change: c.3906G>A on transcript NM_001369.3 (MANE Select); coding-DNA position 3906, G replaced by A.
Protein change: p.Leu1302=; no amino-acid change (leucine 1302 retained).
Molecular consequence: synonymous variant.
Genome position (GRCh38, 1-based): chr5:13,867,921, C>T on the plus strand (G>A on the coding strand, the complement: DNAH5 is on the minus strand). VCF-style: chr5-13867921-C-T. GRCh37 (hg19) VCF-style: chr5-13868030-C-T.
Other names: c.3906G>A (NM_001369.2).
Identifiers: ClinVar variation 1089349 (VCV001089349.11), dbSNP rs756702210, ClinGen allele CA3204135.
Genomic context (GRCh38, chr5:13,867,921, plus strand): 5'-TGAGACTAATTTATTCTGGACTTCGCCAGCACGTGCCAGCAGCTTCTCCCAAGCATAGTG[C>T]AGTGTATCAACTTTGTCTATCTCTTCCCTTGCTATCAGAAGTCCATATCTGTTAAGCAGG-3'
Protein context (NP_001360.1, residues 1292-1312): AREEIDKVDT[Leu1302=]HYAWEKLLAR